The following is an entry in ClinVar:

ClinVar aggregate classification (germline): Likely benign (1 of 4 stars; one submission).

Conditions:
FHOD3-related disorder. Also called: FHOD3-related condition.

gnomAD v4.1: 43 of 1,613,714 alleles (0.0027%); highest among the groups gnomAD compares: Middle Eastern, 0.066%; no homozygotes.

Submission:

PreventionGenetics, part of Exact Sciences
Classification: Likely benign for FHOD3-related condition. Last evaluated: 2026-06-23. Review status: criteria provided, single submitter. Criteria: ACMG Guidelines, 2015. Collection method: clinical testing. Allele origin: germline.
Comment: This variant is classified as likely benign based on ACMG/AMP sequence variant interpretation guidelines (Richards et al. 2015 PMID: 25741868, with internal and published modifications).

NM_001281740.3(FHOD3):c.3450C>T (p.Ile1150=)

Gene: FHOD3 (formin homology 2 domain containing 3; plus strand). Cytogenetic location: 18q12.2.
Variant type: single nucleotide variant.
Coding change: c.3450C>T on transcript NM_001281740.3 (MANE Select); coding-DNA position 3450, C replaced by T.
Protein change: p.Ile1150=; no amino-acid change (isoleucine 1150 retained).
Molecular consequence: synonymous variant.
Genome position (GRCh38, 1-based): chr18:36,730,678, C>T. VCF-style: chr18-36730678-C-T. GRCh37 (hg19) VCF-style: chr18-34310641-C-T.
Other names: c.2874C>T, p.Ile958= (NM_001281739.3); c.2925C>T, p.Ile975= (NM_025135.5).
Identifiers: ClinVar variation 4978392 (VCV004978392.1).
Genomic context (GRCh38, chr18:36,730,678, plus strand): 5'-TCTTGGATTCTCCTTTTTTATCACTAAGAAAACTGCTGCAGATGGAAAAAGGCAAGAGAT[C>T]ATTGTTCTGGATTCCAAGAGGAGTAACGCCATCAATATTGGTCTGACGGTGCTGCCCCCT-3'
Protein context (NP_001268669.1, residues 1140-1160): KTAADGKRQE[Ile1150=]IVLDSKRSNA